The following is an entry in ClinVar:

NM_024577.4(SH3TC2):c.529+8T>A

Gene: SH3TC2 (SH3 domain and tetratricopeptide repeats 2; minus strand). Cytogenetic location: 5q32.
Variant type: single nucleotide variant.
Coding change: c.529+8T>A on transcript NM_024577.4 (MANE Select); 8 bases into the intron after coding-DNA position 529, T replaced by A.
Molecular consequence: intron variant.
Genome position (GRCh38, 1-based): chr5:149,042,686, A>T on the plus strand (T>A on the coding strand, the complement: SH3TC2 is on the minus strand). VCF-style: chr5-149042686-A-T. GRCh37 (hg19) VCF-style: chr5-148422249-A-T.
Identifiers: ClinVar variation 476908 (VCV000476908.15), dbSNP rs780594631, ClinGen allele CA3499485.

ClinVar aggregate classification (germline): Likely benign. Review status: criteria provided, multiple submitters, no conflicts (2 of 4 stars). 5 submissions from 5 submitters: Likely benign (5). Last evaluated 2026-01-08.

Conditions:
SH3TC2-related disorder. Also called: SH3TC2-related condition; SH3TC2-related disorders. Identifiers: MedGen CN239303.
Charcot-Marie-Tooth disease. Also called: Charcot-Marie-Tooth Neuropathy; Charcot-Marie-Tooth Hereditary Neuropathy. Identifiers: Orphanet 166, MedGen C0007959, MONDO:0015626.
Charcot-Marie-Tooth disease type 4. Also called: Charcot-Marie-Tooth disease, type IV; Charcot-Marie-Tooth, Type 4. Identifiers: Orphanet 64749, MedGen C4082197, MONDO:0018995.

Allele frequency attached by ClinVar (database versions not stated): gnomAD exomes 0.00008 and 0.00015; gnomAD 0.00009 and 0.00010; ExAC 0.00012; TOPMed 0.00020.

Submissions (5):

Labcorp Genetics (formerly Invitae), Labcorp
Classification: Likely benign for Charcot-Marie-Tooth disease type 4. Last evaluated: 2026-01-08. Review status: criteria provided, single submitter. Criteria: Invitae Variant Classification Sherloc (09022015). Collection method: clinical testing. Allele origin: germline.

PreventionGenetics, part of Exact Sciences
Classification: Likely benign for SH3TC2-related condition. Last evaluated: 2025-11-05. Review status: criteria provided, single submitter. Criteria: ACMG Guidelines, 2015. Collection method: clinical testing. Allele origin: germline.
Comment: This variant is classified as likely benign based on ACMG/AMP sequence variant interpretation guidelines (Richards et al. 2015 PMID: 25741868, with internal and published modifications).

Blueprint Genetics
Classification: Likely benign. Last evaluated: 2024-11-26. Review status: criteria provided, single submitter. Criteria: ACMG Guidelines, 2015. Collection method: clinical testing. Allele origin: germline.

Athena Diagnostics
Classification: Likely benign. Last evaluated: 2024-06-27. Review status: criteria provided, single submitter. Criteria: Athena Diagnostics Criteria. Collection method: clinical testing. Allele origin: unknown.

Molecular Genetics Laboratory, London Health Sciences Centre
Classification: Likely benign for Charcot-Marie-Tooth disease. Review status: criteria provided, single submitter. Criteria: ACMG Guidelines, 2015. Collection method: clinical testing. Allele origin: germline. Affected: yes.